The following is an entry in ClinVar:

NM_138713.4(NFAT5):c.1882A>G (p.Met628Val)

Gene: NFAT5 (nuclear factor of activated T cells 5; plus strand). Cytogenetic location: 16q22.1.
Variant type: single nucleotide variant.
Coding change: c.1882A>G on transcript NM_138713.4 (MANE Select); coding-DNA position 1882, A replaced by G.
Protein change: p.Met628Val; replaces methionine 628 with valine.
Molecular consequence: missense variant.
Genome position (GRCh38, 1-based): chr16:69,691,047, A>G. VCF-style: chr16-69691047-A-G. GRCh37 (hg19) VCF-style: chr16-69724950-A-G.
Other names: c.1879A>G, p.Met627Val (NM_001113178.3); c.1207A>G, p.Met403Val (NM_001367709.1); c.1828A>G, p.Met610Val (NM_006599.4); c.1600A>G, p.Met534Val (NM_138714.4, NM_173214.3, NM_173215.3); short protein forms M403V, M534V, M610V, M627V, M628V.
Identifiers: ClinVar variation 3607794 (VCV003607794.2).
Genomic context (GRCh38, chr16:69,691,047, plus strand): 5'-AATGCCCTGATGACTCCACTCATACCAAGCAGTATGATTAAGAGTGAAGATGTTACTCCA[A>G]TGGAAGTAACAGCAGAAAAAAGATCTTCCACTATTTTTAAGGTAAGCTGTATTGACTAGT-3'
Protein context (NP_619727.2, residues 618-638): SMIKSEDVTP[Met628Val]EVTAEKRSST

ClinVar aggregate classification (germline): Uncertain significance (1 of 4 stars; one submission).

Conditions:
Immunodeficiency. Identifiers: MedGen C0021051, MONDO:0021094, HP:0002721.

gnomAD v4.1: 14 of 1,606,882 alleles (0.00087%); highest among the groups gnomAD compares: African/African-American, 0.0013%; no homozygotes.

Submission:

Labcorp Genetics (formerly Invitae), Labcorp
Classification: Uncertain significance for Immunodeficiency. Last evaluated: 2025-11-24. Review status: criteria provided, single submitter. Criteria: Invitae Variant Classification Sherloc (09022015). Collection method: clinical testing. Allele origin: germline.
Comment: This sequence change replaces methionine, which is neutral and non-polar, with valine, which is neutral and non-polar, at codon 534 of the NFAT5 protein (p.Met534Val). This variant is present in population databases (rs764046328, gnomAD 0.002%). This variant has not been reported in the literature in individuals affected with NFAT5-related conditions. ClinVar contains an entry for this variant (Variation ID: 3607794). An algorithm developed to predict the effect of missense changes on protein structure and function (PolyPhen-2) suggests that this variant is likely to be tolerated. In summary, the available evidence is currently insufficient to determine the role of this variant in disease. Therefore, it has been classified as a Variant of Uncertain Significance.